The following is an entry in ClinVar:

NM_000048.4(ASL):c.539T>G (p.Leu180Arg)

Gene: ASL (argininosuccinate lyase; plus strand). Cytogenetic location: 7q11.21.
Variant type: single nucleotide variant.
Coding change: c.539T>G on transcript NM_000048.4 (MANE Select); coding-DNA position 539, T replaced by G.
Protein change: p.Leu180Arg; replaces leucine 180 with arginine.
Molecular consequence: missense variant. On other transcripts: intron variant (1).
Genome position (GRCh38, 1-based): chr7:66,086,758, T>G. VCF-style: chr7-66086758-T-G. GRCh37 (hg19) VCF-style: chr7-65551745-T-G.
Other names: c.539T>G, p.Leu180Arg (NM_001024943.2, NM_001024944.2); c.524+96T>G (NM_001024946.2); short protein forms L180R.
Identifiers: ClinVar variation 372746 (VCV000372746.2), dbSNP rs1057141162, ClinGen allele CA16042698.

ClinVar aggregate classification (germline): Conflicting classifications of pathogenicity. Review status: criteria provided, conflicting classifications (1 of 4 stars). 2 submissions from 2 submitters: Likely pathogenic (1); Uncertain significance (1). Last evaluated 2024-08-08.

Allele frequency attached by ClinVar (database versions not stated): TOPMed below 0.00001.
gnomAD v4.1: 1 of 1,604,660 alleles (0.000062%); no homozygotes.

Submissions (2):

Women's Health and Genetics/Laboratory Corporation of America, LabCorp
Classification: Uncertain significance. Last evaluated: 2024-08-08. Review status: criteria provided, single submitter. Criteria: LabCorp Variant Classification Summary - May 2015. Collection method: clinical testing. Allele origin: germline.
Comment: Variant summary: ASL c.539T>G (p.Leu180Arg) results in a non-conservative amino acid change located in the Fumarate lyase, N-terminal domain (IPR022761) of the encoded protein sequence. Five of five in-silico tools predict a damaging effect of the variant on protein function. The variant was absent in 228134 control chromosomes. c.539T>G has been reported in the literature in a homozygous individual affected with Argininosuccinic Aciduria (Balmer_2014). These data indicate that the variant may be associated with disease. To our knowledge, no experimental evidence demonstrating an impact on protein function has been reported. The following publication have been ascertained in the context of this evaluation (PMID: 24166829). ClinVar contains an entry for this variant (Variation ID: 372746). Based on the evidence outlined above, the variant was classified as VUS-possibly pathogenic.

GeneDx
Classification: Likely pathogenic. Last evaluated: 2016-09-30. Review status: criteria provided, single submitter. Criteria: GeneDx Variant Classification (06012015). Collection method: clinical testing. Allele origin: germline. Affected: yes.
Comment: The L180R likely pathogenic variant has previously been reported in an individual with positive newborn screening for argininosuccinate lyase deficiency who was apparently homozygous for L180R (Balmer et al., 2014). The L180R variant was not observed in approximately 6,500 individuals of European and African American ancestry in the NHLBI Exome Sequencing Project, indicating it is not a common benign variant in these populations. The L180R variant is a non-conservative amino acid substitution, which is likely to impact secondary protein structure as these residues differ in polarity, charge, size and/or other properties. This substitution occurs at a position that is conserved across species, and in silico analysis predicts this variant is probably damaging to the protein structure/function. Therefore, this variant is likely pathogenic; however, the possibility that it is benign cannot be excluded.

Literature cited by the submitters: PubMed 24166829 (cited by Women's Health and Genetics/Laboratory Corporation of America, LabCorp).